The following is an entry in ClinVar:

ClinVar aggregate classification (germline): Uncertain significance. Review status: criteria provided, multiple submitters, no conflicts (2 of 4 stars). 4 submissions from 4 submitters: Uncertain significance (4). Last evaluated 2025-09-06.

Conditions:
Inborn genetic diseases. Identifiers: MedGen C0950123, MeSH D030342.
Malignant hyperthermia, susceptibility to, 5 (MHS5). Also called: CACNA1S-Related Malignant Hyperthermia Susceptibility. Identifiers: Orphanet 423, MedGen C1866077, MONDO:0011163, OMIM 601887.
Hypokalemic periodic paralysis, type 1. Also called: HypoPP; Hypokalemic Periodic Paralysis Type 1 (AD). Identifiers: Orphanet 681, MedGen C3714580, MONDO:0042979, OMIM 170400.

gnomAD v4.1: 8 of 1,614,110 alleles (0.0005%); highest among the groups gnomAD compares: Non-Finnish European, 0.00059%; no homozygotes.

Submissions (4):

Labcorp Genetics (formerly Invitae), Labcorp
Classification: Uncertain significance for Hypokalemic periodic paralysis, type 1; Malignant hyperthermia, susceptibility to, 5. Last evaluated: 2025-09-06. Review status: criteria provided, single submitter. Criteria: Invitae Variant Classification Sherloc (09022015). Collection method: clinical testing. Allele origin: germline.
Comment: This sequence change replaces alanine, which is neutral and non-polar, with serine, which is neutral and polar, at codon 1407 of the CACNA1S protein (p.Ala1407Ser). This variant is not present in population databases (gnomAD no frequency). This variant has not been reported in the literature in individuals affected with CACNA1S-related conditions. ClinVar contains an entry for this variant (Variation ID: 2172500). Invitae Evidence Modeling of protein sequence and biophysical properties (such as structural, functional, and spatial information, amino acid conservation, physicochemical variation, residue mobility, and thermodynamic stability) indicates that this missense variant is not expected to disrupt CACNA1S protein function with a negative predictive value of 95%. In summary, the available evidence is currently insufficient to determine the role of this variant in disease. Therefore, it has been classified as a Variant of Uncertain Significance.

Ambry Genetics
Classification: Uncertain significance for Inborn genetic diseases. Last evaluated: 2025-07-31. Review status: criteria provided, single submitter. Criteria: Ambry Variant Classification Scheme 2023. Collection method: clinical testing. Allele origin: germline.

Blueprint Genetics
Classification: Uncertain significance. Last evaluated: 2023-12-29. Review status: criteria provided, single submitter. Criteria: ACMG Guidelines, 2015. Collection method: clinical testing. Allele origin: germline.

Color Diagnostics, LLC DBA Color Health
Classification: Uncertain significance for Malignant hyperthermia, susceptibility to, 5. Last evaluated: 2023-10-18. Review status: criteria provided, single submitter. Criteria: ACMG Guidelines, 2015. Collection method: clinical testing. Allele origin: germline.
Comment: This missense variant replaces alanine with serine at codon 1407 of the CACNA1S protein. Computational prediction suggests that this variant may not impact protein structure and function. To our knowledge, functional studies have not been reported for this variant. This variant has not been reported in individuals affected with CACNA1S-related disorders in the literature. This variant has not been identified in the general population by the Genome Aggregation Database (gnomAD). The available evidence is insufficient to determine the role of this variant in disease conclusively. Therefore, this variant is classified as a Variant of Uncertain Significance.

NM_000069.3(CACNA1S):c.4219G>T (p.Ala1407Ser)

Gene: CACNA1S (calcium voltage-gated channel subunit alpha1 S; minus strand). Cytogenetic location: 1q32.1.
Variant type: single nucleotide variant.
Coding change: c.4219G>T on transcript NM_000069.3 (MANE Select); coding-DNA position 4219, G replaced by T.
Protein change: p.Ala1407Ser; replaces alanine 1407 with serine.
Molecular consequence: missense variant.
Genome position (GRCh38, 1-based): chr1:201,050,411, C>A on the plus strand (G>T on the coding strand, the complement: CACNA1S is on the minus strand). VCF-style: chr1-201050411-C-A. GRCh37 (hg19) VCF-style: chr1-201019539-C-A.
Other names: c.4219G>T (NM_000069.2); short protein forms A1407S.
Identifiers: ClinVar variation 2172500 (VCV002172500.7), dbSNP rs2464443642, ClinGen allele CA344147789.